The following is an entry in ClinVar:

ClinVar aggregate classification (germline): Uncertain significance (1 of 4 stars; one submission).

Conditions:
Inborn genetic diseases. Identifiers: MedGen C0950123, MeSH D030342.

Submission:

Ambry Genetics
Classification: Uncertain significance for Inborn genetic diseases. Last evaluated: 2026-04-30. Review status: criteria provided, single submitter. Criteria: Ambry Variant Classification Scheme 2023. Collection method: clinical testing. Allele origin: germline.
Comment: The p.R1168K variant (also known as c.3503G>A), located in coding exon 1 of the SAMD9L gene, results from a G to A substitution at nucleotide position 3503. The arginine at codon 1168 is replaced by lysine, an amino acid with highly similar properties. This amino acid position is conserved. In addition, this alteration is predicted to be tolerated by in silico analysis. Based on the available evidence, the clinical significance of this variant remains unclear.

NM_152703.5(SAMD9L):c.3503G>A (p.Arg1168Lys)

Gene: SAMD9L (sterile alpha motif domain containing 9 like; minus strand). Cytogenetic location: 7q21.2.
Variant type: single nucleotide variant.
Coding change: c.3503G>A on transcript NM_152703.5 (MANE Select); coding-DNA position 3503, G replaced by A.
Protein change: p.Arg1168Lys; replaces arginine 1168 with lysine.
Molecular consequence: missense variant.
Genome position (GRCh38, 1-based): chr7:93,132,469, C>T on the plus strand (G>A on the coding strand, the complement: SAMD9L is on the minus strand). VCF-style: chr7-93132469-C-T. GRCh37 (hg19) VCF-style: chr7-92761782-C-T.
Other names: c.3503G>A, p.Arg1168Lys (NM_001350085.2, NM_001303496.3, NM_001303497.3 and 5 more transcripts); short protein forms R1168K.
Identifiers: ClinVar variation 4863973 (VCV004863973.1).
Genomic context (GRCh38, chr7:93,132,469, plus strand): 5'-CGTCTCTGGGACTTCTGTGGTGACCAGTTCTCGGTTTCATAGTTTTTACTATCAGTTTGC[C>T]TTTGGGATTCTTTGAAAGCTCTTGAGGCTTTTTCCGCAGCTTCTAGGAGATGTGTTAGGT-3'
Protein context (NP_689916.2, residues 1158-1178): KASRAFKESQ[Arg1168Lys]QTDSKNYETE